The following is an entry in ClinVar:

ClinVar aggregate classification (germline): Uncertain significance (1 of 4 stars; one submission).

Submission:

GeneDx
Classification: Uncertain significance. Last evaluated: 2024-09-25. Review status: criteria provided, single submitter. Criteria: GeneDx Variant Classification Process June 2021. Collection method: clinical testing. Allele origin: germline. Affected: yes.
Comment: Not observed at significant frequency in large population cohorts (gnomAD); In silico analysis indicates that this missense variant does not alter protein structure/function; Has not been previously published as pathogenic or benign to our knowledge

NM_001292063.2(OTOG):c.8654G>T (p.Arg2885Leu)

Gene: OTOG (otogelin; plus strand). Cytogenetic location: 11p15.1.
Variant type: single nucleotide variant.
Coding change: c.8654G>T on transcript NM_001292063.2 (MANE Select); coding-DNA position 8654, G replaced by T.
Protein change: p.Arg2885Leu; replaces arginine 2885 with leucine.
Molecular consequence: missense variant.
Genome position (GRCh38, 1-based): chr11:17,645,856, G>T. VCF-style: chr11-17645856-G-T. GRCh37 (hg19) VCF-style: chr11-17667403-G-T.
Other names: c.8690G>T, p.Arg2897Leu (NM_001277269.2); short protein forms R2885L, R2897L.
Identifiers: ClinVar variation 3774623 (VCV003774623.1).